The following is an entry in ClinVar:

NM_006940.6(SOX5):c.1862del (p.Pro621fs)

Gene: SOX5 (SRY-box transcription factor 5; minus strand). Cytogenetic location: 12p12.1.
Variant type: Deletion.
Coding change: c.1862del on transcript NM_006940.6 (MANE Select); coding-DNA position 1862, one base deleted (C; older notation c.1862delC).
Protein change: p.Pro621fs; shifts the reading frame from proline 621.
Molecular consequence: frameshift variant.
Genome position (GRCh38, 1-based): chr12:23,536,579, G deleted on the plus strand (C on the coding strand, the reverse complement: SOX5 is on the minus strand); the first of 3 consecutive G bases (chr12:23,536,579-23,536,581); deleting any one gives the same sequence. VCF-style (leftmost placement, unchanged base first): chr12-23536578-AG-A. GRCh37 (hg19) VCF-style: chr12-23689512-AG-A.
Other names: c.1499del, p.Pro500fs (NM_001261414.3); c.1832del, p.Pro611fs (NM_001261415.3); c.1757del, p.Pro586fs (NM_001330785.2); c.1823del, p.Pro608fs (NM_152989.5); c.704del, p.Pro235fs (NM_178010.4); short protein forms P586fs, P235fs, P621fs, P500fs, P608fs, P611fs.
Identifiers: ClinVar variation 2775436 (VCV002775436.1), dbSNP rs2547741003, ClinGen allele CA2697559135.

ClinVar aggregate classification (germline): Pathogenic (1 of 4 stars; one submission).

Conditions:
Lamb-Shaffer syndrome. Identifiers: Orphanet 313884, Orphanet 313892, Orphanet 530983, MedGen C4225202, MONDO:0014778, OMIM 616803.

Submission:

Institute of Immunology and Genetics Kaiserslautern
Classification: Pathogenic for Lamb-Shaffer syndrome. Last evaluated: 2024-02-02. Review status: criteria provided, single submitter. Criteria: ACMG Guidelines, 2015. Collection method: clinical testing. Allele origin: de novo. Affected: yes.
Comment: ACMG Criteria: PM2, PVS1, PS2; Variant was found in heterozygous state